The following is an entry in ClinVar:

NM_001349798.2(FBXW7):c.1829C>G (p.Thr610Arg)

Gene: FBXW7 (F-box and WD repeat domain containing 7; minus strand). Cytogenetic location: 4q31.3.
Variant type: single nucleotide variant.
Coding change: c.1829C>G on transcript NM_001349798.2 (MANE Select); coding-DNA position 1829, C replaced by G.
Protein change: p.Thr610Arg; replaces threonine 610 with arginine.
Molecular consequence: missense variant.
Genome position (GRCh38, 1-based): chr4:152,324,210, G>C on the plus strand (C>G on the coding strand, the complement: FBXW7 is on the minus strand). VCF-style: chr4-152324210-G-C. GRCh37 (hg19) VCF-style: chr4-153245362-G-C.
Other names: c.1475C>G, p.Thr492Arg (NM_001013415.2); c.1589C>G, p.Thr530Arg (NM_018315.5); c.1829C>G, p.Thr610Arg (NM_033632.3); short protein forms T492R, T530R, T610R.
Identifiers: ClinVar variation 3360962 (VCV003360962.1).

ClinVar aggregate classification (germline): Uncertain significance (1 of 4 stars; one submission).

Submission:

GeneDx
Classification: Uncertain significance. Last evaluated: 2023-07-20. Review status: criteria provided, single submitter. Criteria: GeneDx Variant Classification Process June 2021. Collection method: clinical testing. Allele origin: germline. Affected: yes.
Comment: Not observed at significant frequency in large population cohorts (gnomAD); In silico analysis supports that this missense variant has a deleterious effect on protein structure/function; Has not been previously published as pathogenic or benign to our knowledge